The following is an entry in ClinVar:

NM_016239.4(MYO15A):c.2478A>C (p.Pro826=)

Gene: MYO15A (myosin XVA; plus strand). Cytogenetic location: 17p11.2.
Variant type: single nucleotide variant.
Coding change: c.2478A>C on transcript NM_016239.4 (MANE Select); coding-DNA position 2478, A replaced by C.
Protein change: p.Pro826=; no amino-acid change (proline 826 retained).
Molecular consequence: synonymous variant.
Genome position (GRCh38, 1-based): chr17:18,121,278, A>C. VCF-style: chr17-18121278-A-C. GRCh37 (hg19) VCF-style: chr17-18024592-A-C.
Identifiers: ClinVar variation 1204456 (VCV001204456.36), dbSNP rs552767462, ClinGen allele CA288388943.
Genomic context (GRCh38, chr17:18,121,278, plus strand): 5'-CCAGCCGCCCTTCCTGCCCCCGGCCCGCCGGCCCCGCTCGCTGCAGGAGTCCCCAGCCCC[A>C]CGCCGAGCCGCTGGGCGCCTGGGCCCACCCGGCTCGCCGCTGCCGGGCTCACCCAGGCCG-3'
Protein context (NP_057323.3, residues 816-836): RPRSLQESPA[Pro826=]RRAAGRLGPP

ClinVar aggregate classification (germline): Likely benign. Review status: criteria provided, multiple submitters, no conflicts (2 of 4 stars). 4 submissions from 4 submitters: Likely benign (4). Last evaluated 2026-09-07.

Conditions:
MYO15A-related disorder. Also called: MYO15A-related condition.

Allele frequency attached by ClinVar (database versions not stated): gnomAD 0.00021 and 0.00024; TOPMed 0.00022; 1000 Genomes Project 30x 0.00062; 1000 Genomes Project 0.00220.
gnomAD v4.1: 46 of 1,371,506 alleles (0.0034%); highest among the groups gnomAD compares: African/African-American, 0.067%; no homozygotes.

Submissions (4):

PreventionGenetics, part of Exact Sciences
Classification: Likely benign for MYO15A-related condition. Last evaluated: 2026-09-07. Review status: criteria provided, single submitter. Criteria: ACMG Guidelines, 2015. Collection method: clinical testing. Allele origin: germline.
Comment: This variant is classified as likely benign based on ACMG/AMP sequence variant interpretation guidelines (Richards et al. 2015 PMID: 25741868, with internal and published modifications).

Labcorp Genetics (formerly Invitae), Labcorp
Classification: Likely benign. Last evaluated: 2023-12-10. Review status: criteria provided, single submitter. Criteria: Invitae Variant Classification Sherloc (09022015). Collection method: clinical testing. Allele origin: germline.

CeGaT Center for Human Genetics Tuebingen
Classification: Likely benign. Last evaluated: 2023-05-01. Review status: criteria provided, single submitter. Criteria: CeGaT Center For Human Genetics Tuebingen Variant Classification Criteria Version 2. Collection method: clinical testing. Allele origin: germline. Affected: yes. Observed: 1 variant allele.
Comment: MYO15A: BP4, BP7

GeneDx
Classification: Likely benign. Last evaluated: 2020-11-13. Review status: criteria provided, single submitter. Criteria: GeneDx Variant Classification Process June 2021. Collection method: clinical testing. Allele origin: germline. Affected: yes.